The following is an entry in ClinVar:

NM_000169.3(GLA):c.289G>T (p.Ala97Ser)

Genes: GLA (galactosidase alpha; minus strand), RPL36A-HNRNPH2 (RPL36A-HNRNPH2 readthrough; plus strand). Cytogenetic location: Xq22.1.
Variant type: single nucleotide variant.
Coding change: c.289G>T on transcript NM_000169.3 (MANE Select); coding-DNA position 289, G replaced by T.
Protein change: p.Ala97Ser; replaces alanine 97 with serine.
Molecular consequence: missense variant. On other transcripts: non-coding transcript variant (3), intron variant (2).
Genome position (GRCh38, 1-based): chrX:101,403,891, C>A on the plus strand (G>T on the coding strand, the complement: GLA is on the minus strand). VCF-style: chrX-101403891-C-A. GRCh37 (hg19) VCF-style: chrX-100658879-C-A.
Other names: c.412G>T, p.Ala138Ser (NM_001406747.1, NM_001406749.1); c.289G>T, p.Ala97Ser (NM_001406748.1); c.301-8045C>A (NM_001199973.2); c.178-8045C>A (NM_001199974.2); short protein forms A138S, A97S.
Identifiers: ClinVar variation 4974878 (VCV004974878.1).
Genomic context (GRCh38, chrX:101,403,891, plus strand): 5'-TCCCATGAGGAAAGCGCTGAGGGTCTGCCTGAAGTCTGCCTTCTGAATCTCTTTGGGGAG[C>A]CATCCAACAGTCATCAATGCAGAGGTACTCATAACCTGCATCCTTCCAGCCTTCTGAGAC-3'
Protein context (NP_000160.1, residues 87-107): EYLCIDDCWM[Ala97Ser]PQRDSEGRLQ

ClinVar aggregate classification (germline): Uncertain significance (1 of 4 stars; one submission).

Conditions:
Fabry disease. Also called: Fabry's disease; ALPHA-GALACTOSIDASE A DEFICIENCY; ANDERSON-FABRY DISEASE; CERAMIDE TRIHEXOSIDASE DEFICIENCY; GLA DEFICIENCY; HEREDITARY DYSTOPIC LIPIDOSIS. Identifiers: Orphanet 324, MedGen C0002986, MONDO:0010526, OMIM 301500, HP:0001071. Disease mechanism: Fabry disease is due to inactivating mutations in the X-linked GLA gene resulting in deficiency of the enzyme Alpha Galactosidase-A., loss of function.

Submission:

Genomenon, Inc
Classification: Uncertain significance for Fabry disease. Last evaluated: 2026-09-08. Review status: criteria provided, single submitter. Criteria: Genomenon Sequence Variant Interpretation Standards - Updated. Collection method: curation. Allele origin: germline. Affected: no.
Comment: GLA p.Ala97Ser (c.289G>T) is a missense variant that changes the amino acid at codon 97 from Alanine to Serine. This variant has been reported in the published literature (PMID:28957343;30246259). The presence of pathogenic/likely pathogenic missense variant(s) at the same amino acid position indicates that this residue is likely important for protein function. It is absent or not present at a significant frequency in gnomAD. In conclusion, we classify GLA p.Ala97Ser (c.289G>T) as a variant of uncertain significance.

Literature cited by the submitters: PubMed 28957343; PubMed 30246259.